The following is an entry in ClinVar:

ClinVar aggregate classification (germline): Uncertain significance (1 of 4 stars; one submission).

Conditions:
Glucocorticoid deficiency with achalasia (AAAS). Also called: Achalasia-Addisonianism-Alacrima (Triple-A) Syndrome; Triple-A syndrome; Addisonian achalasia syndrome; AAA syndrome; Allgrove syndrome; Alacrima-achalasia-addisonianism. Identifiers: Orphanet 869, MedGen C0271742, MONDO:0009279, OMIM 231550.

Allele frequency attached by ClinVar (database versions not stated): gnomAD exomes below 0.00001; gnomAD 0.00001; TOPMed 0.00001.

Submission:

Molecular Genetics, Royal Melbourne Hospital
Classification: Uncertain significance for Glucocorticoid deficiency with achalasia. Last evaluated: 2021-08-10. Review status: criteria provided, single submitter. Criteria: ACMG Guidelines, 2015. Collection method: clinical testing. Allele origin: germline.
Comment: This sequence change is predicted to replace proline with serine at codon 283 of the AAAS protein (p.(Pro283Ser)). The proline residue is weakly conserved (100 vertebrates, UCSC), and is located in the WD 3 repeat. There is a moderate physicochemical difference between proline and serine. The variant is present in a single individual in a large population cohort (absent in gnomAD v2.1 and 1/152,242 alleles in gnomAD v3.1), and has not been reported in the relevant medical literature or databases. Multiple lines of computational evidence have conflicting predictions for the missense substitution (4/5 algorithms predict benign). Based on the classification scheme RMH Modified ACMG Guidelines v1.4.0, this variant is classified as a VARIANT OF UNCERTAIN SIGNIFICANCE. Following criteria are met: PM2_Supporting.

NM_015665.6(AAAS):c.721C>T (p.His241Tyr)

Gene: AAAS (aladin WD repeat nucleoporin; minus strand). Cytogenetic location: 12q13.13.
Variant type: single nucleotide variant.
Coding change: c.721C>T on transcript NM_015665.6 (MANE Select); coding-DNA position 721, C replaced by T.
Protein change: p.His241Tyr; replaces histidine 241 with tyrosine.
Molecular consequence: missense variant.
Genome position (GRCh38, 1-based): chr12:53,309,690, G>A on the plus strand (C>T on the coding strand, the complement: AAAS is on the minus strand). VCF-style: chr12-53309690-G-A. GRCh37 (hg19) VCF-style: chr12-53703474-G-A.
Other names: c.622C>T, p.His208Tyr (NM_001173466.2); short protein forms H208Y, H241Y.
Identifiers: ClinVar variation 1676231 (VCV001676231.2), dbSNP rs1944356188, ClinGen allele CA385042779.